The following is an entry in ClinVar:

NM_002440.4(MSH4):c.2620-14_2620-10del

Gene: MSH4 (mutS homolog 4; plus strand). Cytogenetic location: 1p31.1.
Variant type: Deletion.
Coding change: c.2620-14_2620-10del on transcript NM_002440.4 (MANE Select); 14 bases into the intron before coding-DNA position 2620 through 10 bases into the intron before coding-DNA position 2620, 5 bases deleted (TTTTT; older notation c.2620-14_2620-10delTTTTT).
Molecular consequence: intron variant.
Genome position (GRCh38, 1-based): chr1:75,912,682-75,912,686, TTTTT deleted; deleting any 5 consecutive bases within chr1:75,912,675-75,912,686 gives the same sequence; the c. name uses the placement nearest the transcript's 3' end. VCF-style (leftmost placement, unchanged base first): chr1-75912674-ATTTTT-A. GRCh37 (hg19) VCF-style: chr1-76378359-ATTTTT-A.
Identifiers: ClinVar variation 4988813 (VCV004988813.1).
Genomic context (GRCh38, chr1:75,912,674, plus strand): 5'-TAGAATATTGCCAACATGTGGTTTAAATAAAAATTATGGTATTTGTGTATATATATATAT[ATTTTT>A]TTTTTTTCAATGACAGCAAAACCAAAGGAGTACCCCTGAGATGGAAAGACAGAGAGCTGT-3'

ClinVar aggregate classification (germline): Likely benign (1 of 4 stars; one submission).

Conditions:
MSH4-related condition.

Submission:

PreventionGenetics, part of Exact Sciences
Classification: Likely benign for MSH4-related condition. Last evaluated: 2026-09-08. Review status: criteria provided, single submitter. Criteria: ACMG Guidelines, 2015. Collection method: clinical testing. Allele origin: germline.
Comment: This variant is classified as likely benign based on ACMG/AMP sequence variant interpretation guidelines (Richards et al. 2015 PMID: 25741868, with internal and published modifications).